The following is an entry in ClinVar:

NM_001001957.2(OR2W3):c.214A>G (p.Ser72Gly)

Gene: OR2W3 (olfactory receptor family 2 subfamily W member 3; plus strand). Cytogenetic location: 1q44.
Variant type: single nucleotide variant.
Coding change: c.214A>G on transcript NM_001001957.2 (MANE Select); coding-DNA position 214, A replaced by G.
Protein change: p.Ser72Gly; replaces serine 72 with glycine.
Molecular consequence: missense variant.
Genome position (GRCh38, 1-based): chr1:247,895,800, A>G. VCF-style: chr1-247895800-A-G. GRCh37 (hg19) VCF-style: chr1-248059102-A-G.
Other names: short protein forms S72G.
Identifiers: ClinVar variation 1915713 (VCV001915713.6), dbSNP rs1371094257, ClinGen allele CA345591593.

ClinVar aggregate classification (germline): Uncertain significance. Review status: criteria provided, multiple submitters, no conflicts (2 of 4 stars). 2 submissions from 2 submitters: Uncertain significance (2). Last evaluated 2025-11-20.

Allele frequency attached by ClinVar (database versions not stated): gnomAD exomes below 0.00001; TOPMed below 0.00001; gnomAD 0.00002.

Submissions (2):

Ambry Genetics
Classification: Uncertain significance. Last evaluated: 2025-11-20. Review status: criteria provided, single submitter. Criteria: Ambry Variant Classification Scheme 2023. Collection method: clinical testing. Allele origin: germline.

Labcorp Genetics (formerly Invitae), Labcorp
Classification: Uncertain significance. Last evaluated: 2024-01-17. Review status: criteria provided, single submitter. Criteria: Invitae Variant Classification Sherloc (09022015). Collection method: clinical testing. Allele origin: germline.
Comment: This sequence change replaces serine, which is neutral and polar, with glycine, which is neutral and non-polar, at codon 72 of the OR2W3 protein (p.Ser72Gly). This variant is present in population databases (no rsID available, gnomAD 0.01%). This variant has not been reported in the literature in individuals affected with OR2W3-related conditions. ClinVar contains an entry for this variant (Variation ID: 1915713). Algorithms developed to predict the effect of missense changes on protein structure and function output the following: SIFT: "Not Available"; PolyPhen-2: "Benign"; Align-GVGD: "Not Available". The glycine amino acid residue is found in multiple mammalian species, which suggests that this missense change does not adversely affect protein function. In summary, the available evidence is currently insufficient to determine the role of this variant in disease. Therefore, it has been classified as a Variant of Uncertain Significance.